The following is an entry in ClinVar:

ClinVar aggregate classification (germline): Conflicting classifications of pathogenicity. Review status: criteria provided, conflicting classifications (1 of 4 stars). 4 submissions from 4 submitters: Uncertain significance (2); Likely benign (1). 1 of the submissions does not count toward it. Last evaluated 2026-01-17.

Conditions:
Cyclical neutropenia. Also called: Cyclic hematopoiesis; Cyclic Neutropenia. Identifiers: Orphanet 2686, MedGen C0221023, MONDO:0008090, OMIM 162800, HP:0040289. Disease mechanism: loss of function.
Neutropenia, severe congenital, 1, autosomal dominant. Identifiers: MedGen C1859966, MONDO:0042490, OMIM 202700.
ELANE-related disorder. Also called: ELANE-related condition.
Inborn genetic diseases. Identifiers: MedGen C0950123, MeSH D030342.

Allele frequency attached by ClinVar (database versions not stated): ExAC 0.00001; gnomAD 0.00001; gnomAD exomes 0.00001 and 0.00002; TOPMed 0.00001.
gnomAD v4.1: 8 of 1,613,422 alleles (0.0005%); highest among the groups gnomAD compares: Non-Finnish European, 0.00068%; no homozygotes.

Submissions (4):

Labcorp Genetics (formerly Invitae), Labcorp
Classification: Uncertain significance for Neutropenia, severe congenital, 1, autosomal dominant; Cyclical neutropenia. Last evaluated: 2026-01-17. Review status: criteria provided, single submitter. Criteria: Invitae Variant Classification Sherloc (09022015). Collection method: clinical testing. Allele origin: germline.
Comment: This sequence change replaces glycine, which is neutral and non-polar, with valine, which is neutral and non-polar, at codon 221 of the ELANE protein (p.Gly221Val). This variant is present in population databases (rs756112245, gnomAD 0.004%). This variant has not been reported in the literature in individuals affected with ELANE-related conditions. ClinVar contains an entry for this variant (Variation ID: 964161). Invitae Evidence Modeling of protein sequence and biophysical properties (such as structural, functional, and spatial information, amino acid conservation, physicochemical variation, residue mobility, and thermodynamic stability) indicates that this missense variant is expected to disrupt ELANE protein function with a positive predictive value of 95%. Algorithms developed to predict the effect of sequence changes on RNA splicing suggest that this variant may create or strengthen a splice site. In summary, the available evidence is currently insufficient to determine the role of this variant in disease. Therefore, it has been classified as a Variant of Uncertain Significance.

Ambry Genetics
Classification: Likely benign for Inborn genetic diseases. Last evaluated: 2025-04-03. Review status: criteria provided, single submitter. Criteria: Ambry Variant Classification Scheme 2023. Collection method: clinical testing. Allele origin: germline.

Fulgent Genetics
Classification: Uncertain significance for Cyclical neutropenia; Neutropenia, severe congenital, 1, autosomal dominant. Last evaluated: 2022-04-16. Review status: criteria provided, single submitter. Criteria: ACMG Guidelines, 2015. Collection method: clinical testing. Allele origin: unknown.

PreventionGenetics, part of Exact Sciences
Classification: Uncertain significance for ELANE-related condition. Last evaluated: 2024-06-08. Review status: no assertion criteria provided. Collection method: clinical testing. Allele origin: germline. Not counted in ClinVar's aggregate classification.
Comment: The ELANE c.662G>T variant is predicted to result in the amino acid substitution p.Gly221Val. To our knowledge, this variant has not been reported in the literature. This variant is reported in 0.0035% of alleles in individuals of European (Non-Finnish) descent in gnomAD. At this time, the clinical significance of this variant is uncertain due to the absence of conclusive functional and genetic evidence.

NM_001972.4(ELANE):c.662G>T (p.Gly221Val)

Gene: ELANE (elastase, neutrophil expressed; plus strand). Cytogenetic location: 19p13.3.
Variant type: single nucleotide variant.
Coding change: c.662G>T on transcript NM_001972.4 (MANE Select); coding-DNA position 662, G replaced by T.
Protein change: p.Gly221Val; replaces glycine 221 with valine.
Molecular consequence: missense variant.
Genome position (GRCh38, 1-based): chr19:856,022, G>T. VCF-style: chr19-856022-G-T. GRCh37 (hg19) VCF-style: chr19-856022-G-T.
Other names: c.662G>T (NM_001972.3); short protein forms G221V.
Identifiers: ClinVar variation 964161 (VCV000964161.16), dbSNP rs756112245, ClinGen allele CA9026137.